The following is an entry in ClinVar:

ClinVar aggregate classification (germline): Uncertain significance. Review status: criteria provided, multiple submitters, no conflicts (2 of 4 stars). 3 submissions from 3 submitters: Uncertain significance (3). Last evaluated 2025-10-10.

Conditions:
Mosaic variegated aneuploidy syndrome 1 (MVA1). Also called: Warburton-Anyane-Yeboa syndrome. Identifiers: Orphanet 1052, MedGen C1850343, MONDO:0009759, OMIM 257300.
Colorectal cancer. Also called: Malignant Colorectal Neoplasm; Colorectal cancer, somatic. Identifiers: MedGen C0346629, MONDO:0005575, OMIM 114500.
Premature chromatid separation trait (PCS). Also called: TOTAL PREMATURE CHROMATID SEPARATION TRAIT. Identifiers: MedGen C1864389, MONDO:0008304, OMIM 176430.
Inborn genetic diseases. Identifiers: MedGen C0950123, MeSH D030342.

Allele frequency attached by ClinVar (database versions not stated): gnomAD exomes 0.00002 and 0.00006; ExAC 0.00007; gnomAD 0.00011 and 0.00013; TOPMed 0.00019; ESP Exome Variant Server 0.00038.
gnomAD v4.1: 41 of 1,610,788 alleles (0.0025%); highest among the groups gnomAD compares: African/African-American, 0.033%; no homozygotes.

Submissions (3):

Labcorp Genetics (formerly Invitae), Labcorp
Classification: Uncertain significance for Mosaic variegated aneuploidy syndrome 1. Last evaluated: 2025-10-10. Review status: criteria provided, single submitter. Criteria: Invitae Variant Classification Sherloc (09022015). Collection method: clinical testing. Allele origin: germline.
Comment: This sequence change replaces alanine, which is neutral and non-polar, with valine, which is neutral and non-polar, at codon 784 of the BUB1B protein (p.Ala784Val). This variant is present in population databases (rs142705245, gnomAD 0.05%). This variant has not been reported in the literature in individuals affected with BUB1B-related conditions. ClinVar contains an entry for this variant (Variation ID: 403751). An algorithm developed to predict the effect of missense changes on protein structure and function outputs the following: PolyPhen-2: "Benign". The valine amino acid residue is found in multiple mammalian species, which suggests that this missense change does not adversely affect protein function. In summary, the available evidence is currently insufficient to determine the role of this variant in disease. Therefore, it has been classified as a Variant of Uncertain Significance.

Ambry Genetics
Classification: Uncertain significance for Inborn genetic diseases. Last evaluated: 2024-07-25. Review status: criteria provided, single submitter. Criteria: Ambry Variant Classification Scheme 2023. Collection method: clinical testing. Allele origin: germline.

Fulgent Genetics
Classification: Uncertain significance for Colorectal cancer; Premature chromatid separation trait; Mosaic variegated aneuploidy syndrome 1. Last evaluated: 2024-06-04. Review status: criteria provided, single submitter. Criteria: ACMG Guidelines, 2015. Collection method: clinical testing. Allele origin: germline.

NM_001211.6(BUB1B):c.2351C>T (p.Ala784Val)

Gene: BUB1B (BUB1 mitotic checkpoint serine/threonine kinase B; plus strand). Cytogenetic location: 15q15.1.
Variant type: single nucleotide variant.
Coding change: c.2351C>T on transcript NM_001211.6 (MANE Select); coding-DNA position 2351, C replaced by T.
Protein change: p.Ala784Val; replaces alanine 784 with valine.
Molecular consequence: missense variant.
Genome position (GRCh38, 1-based): chr15:40,210,176, C>T. VCF-style: chr15-40210176-C-T. GRCh37 (hg19) VCF-style: chr15-40502377-C-T.
Other names: short protein forms A784V.
Identifiers: ClinVar variation 403751 (VCV000403751.15), dbSNP rs142705245, ClinGen allele CA7476019.